The following is an entry in ClinVar:

NM_020163.3(SEMA3G):c.891C>T (p.Pro297=)

Gene: SEMA3G (semaphorin 3G; minus strand). Cytogenetic location: 3p21.1.
Variant type: single nucleotide variant.
Coding change: c.891C>T on transcript NM_020163.3 (MANE Select); coding-DNA position 891, C replaced by T.
Protein change: p.Pro297=; no amino-acid change (proline 297 retained).
Molecular consequence: synonymous variant.
Genome position (GRCh38, 1-based): chr3:52,440,971, G>A on the plus strand (C>T on the coding strand, the complement: SEMA3G is on the minus strand). VCF-style: chr3-52440971-G-A. GRCh37 (hg19) VCF-style: chr3-52474987-G-A.
Identifiers: ClinVar variation 3032355 (VCV003032355.2), dbSNP rs201502218, ClinGen allele CA2438162.

ClinVar aggregate classification (germline): Likely benign (0 of 4 stars; one submission).

Conditions:
SEMA3G-related disorder. Also called: SEMA3G-related condition.

Allele frequency attached by ClinVar (database versions not stated): ExAC 0.00023; 1000 Genomes Project 30x 0.00172; 1000 Genomes Project 0.00180.
gnomAD v4.1: 133 of 1,607,152 alleles (0.0083%); highest among the groups gnomAD compares: East Asian, 0.26%; 2 homozygotes.

Submission:

PreventionGenetics, part of Exact Sciences
Classification: Likely benign for SEMA3G-related condition. Last evaluated: 2023-10-03. Review status: no assertion criteria provided. Collection method: clinical testing. Allele origin: germline.
Comment: This variant is classified as likely benign based on ACMG/AMP sequence variant interpretation guidelines (Richards et al. 2015 PMID: 25741868, with internal and published modifications).